The following is an entry in ClinVar:

ClinVar aggregate classification (germline): Uncertain significance (1 of 4 stars; one submission).

Conditions:
Progressive myoclonic epilepsy type 3. Also called: KCTD7-Related Progressive Myoclonic Epilepsy; EPILEPSY, PROGRESSIVE MYOCLONIC, 3, WITH OR WITHOUT INTRACELLULAR INCLUSIONS; CEROID LIPOFUSCINOSIS, NEURONAL, 14; EPILEPSY, PROGRESSIVE MYOCLONIC, 3, WITHOUT INTRACELLULAR INCLUSIONS. Identifiers: Orphanet 263516, MedGen C2673257, MONDO:0012721, OMIM 611726.

Allele frequency attached by ClinVar (database versions not stated): gnomAD exomes 0.00002.
gnomAD v4.1: 32 of 1,614,082 alleles (0.002%); highest among the groups gnomAD compares: Non-Finnish European, 0.0026%; no homozygotes.

Submission:

Labcorp Genetics (formerly Invitae), Labcorp
Classification: Uncertain significance for Progressive myoclonic epilepsy type 3. Last evaluated: 2022-02-28. Review status: criteria provided, single submitter. Criteria: Invitae Variant Classification Sherloc (09022015). Collection method: clinical testing. Allele origin: germline.
Comment: This variant is present in population databases (no rsID available, gnomAD 0.0009%). This variant has not been reported in the literature in individuals affected with KCTD7-related conditions. Algorithms developed to predict the effect of missense changes on protein structure and function are either unavailable or do not agree on the potential impact of this missense change (SIFT: "Deleterious"; PolyPhen-2: "Benign"; Align-GVGD: "Class C65"). In summary, the available evidence is currently insufficient to determine the role of this variant in disease. Therefore, it has been classified as a Variant of Uncertain Significance. This sequence change replaces lysine, which is basic and polar, with asparagine, which is neutral and polar, at codon 269 of the KCTD7 protein (p.Lys269Asn).

NM_153033.5(KCTD7):c.807G>T (p.Lys269Asn)

Gene: KCTD7 (potassium channel tetramerization domain containing 7; plus strand). Cytogenetic location: 7q11.21.
Variant type: single nucleotide variant.
Coding change: c.807G>T on transcript NM_153033.5 (MANE Select); coding-DNA position 807, G replaced by T.
Protein change: p.Lys269Asn; replaces lysine 269 with asparagine.
Molecular consequence: missense variant.
Genome position (GRCh38, 1-based): chr7:66,639,169, G>T. VCF-style: chr7-66639169-G-T. GRCh37 (hg19) VCF-style: chr7-66104156-G-T.
Other names: c.807G>T, p.Lys269Asn (NM_001167961.2); short protein forms K269N.
Identifiers: ClinVar variation 2147275 (VCV002147275.4), dbSNP rs927709940, ClinGen allele CA160220262.
Genomic context (GRCh38, chr7:66,639,169, plus strand): 5'-CACGGACCTCTCGGCCCAGGGTCTCACCGTGGACCACCAGTGCATCGGGGTGTGTGACAA[G>T]CACCTCGTGAACCACTACTACTGCAAGCGCCCCATCTATGAGTTCAAGATCACATGGTGG-3'
Protein context (NP_694578.1, residues 259-279): VDHQCIGVCD[Lys269Asn]HLVNHYYCKR